The following is an entry in ClinVar:

ClinVar aggregate classification (germline): Uncertain significance (1 of 4 stars; one submission).

Conditions:
Werner syndrome (WRN). Identifiers: Orphanet 902, MedGen C0043119, MONDO:0010196, OMIM 277700.

Submission:

Labcorp Genetics (formerly Invitae), Labcorp
Classification: Uncertain significance for Werner syndrome. Last evaluated: 2023-03-03. Review status: criteria provided, single submitter. Criteria: Invitae Variant Classification Sherloc (09022015). Collection method: clinical testing. Allele origin: germline.
Comment: This variant is not present in population databases (gnomAD no frequency). This sequence change replaces leucine, which is neutral and non-polar, with proline, which is neutral and non-polar, at codon 1061 of the WRN protein (p.Leu1061Pro). This variant has not been reported in the literature in individuals affected with WRN-related conditions. ClinVar contains an entry for this variant (Variation ID: 1502319). An algorithm developed to predict the effect of missense changes on protein structure and function (PolyPhen-2) suggests that this variant is likely to be disruptive. In summary, the available evidence is currently insufficient to determine the role of this variant in disease. Therefore, it has been classified as a Variant of Uncertain Significance.

NM_000553.6(WRN):c.3182T>C (p.Leu1061Pro)

Gene: WRN (WRN RecQ like helicase; plus strand). Cytogenetic location: 8p12.
Variant type: single nucleotide variant.
Coding change: c.3182T>C on transcript NM_000553.6 (MANE Select); coding-DNA position 3182, T replaced by C.
Protein change: p.Leu1061Pro; replaces leucine 1061 with proline.
Molecular consequence: missense variant.
Genome position (GRCh38, 1-based): chr8:31,141,724, T>C. VCF-style: chr8-31141724-T-C. GRCh37 (hg19) VCF-style: chr8-30999240-T-C.
Other names: short protein forms L1061P.
Identifiers: ClinVar variation 1502319 (VCV001502319.6), dbSNP rs2130417378, ClinGen allele CA370923055.